The following is an entry in ClinVar:

ClinVar aggregate classification (germline): Conflicting classifications of pathogenicity. Review status: criteria provided, conflicting classifications (1 of 4 stars). 3 submissions from 3 submitters: Pathogenic (1); Likely pathogenic (1); Uncertain significance (1). Last evaluated 2024-12-12.

Conditions:
Familial thoracic aortic aneurysm and aortic dissection (TAAD). Also called: Thoracic aortic aneurysms and dissections. Identifiers: Orphanet 91387, MedGen C4707243, MONDO:0019625.

Submissions (3):

Labcorp Genetics (formerly Invitae), Labcorp
Classification: Pathogenic for Familial thoracic aortic aneurysm and aortic dissection. Last evaluated: 2024-12-12. Review status: criteria provided, single submitter. Criteria: Invitae Variant Classification Sherloc (09022015). Collection method: clinical testing. Allele origin: germline.
Comment: This sequence change replaces alanine, which is neutral and non-polar, with threonine, which is neutral and polar, at codon 414 of the TGFBR2 protein (p.Ala414Thr). This variant is not present in population databases (gnomAD no frequency). This missense change has been observed in individuals with clinical features of TGFBR2-related conditions (PMID: 23099432, 23884466; internal data). It has also been observed to segregate with disease in related individuals. ClinVar contains an entry for this variant (Variation ID: 1758289). Invitae Evidence Modeling of protein sequence and biophysical properties (such as structural, functional, and spatial information, amino acid conservation, physicochemical variation, residue mobility, and thermodynamic stability) has been performed for this missense variant. However, the output from this modeling did not meet the statistical confidence thresholds required to predict the impact of this variant on TGFBR2 protein function. This variant disrupts the p.Ala414 amino acid residue in TGFBR2. Other variant(s) that disrupt this residue have been determined to be pathogenic (PMID: 18852674, 27125181; internal data). This suggests that this residue is clinically significant, and that variants that disrupt this residue are likely to be disease-causing. For these reasons, this variant has been classified as Pathogenic.

CHEO Genetics Diagnostic Laboratory, Children's Hospital of Eastern Ontario
Classification: Uncertain significance for Familial thoracic aortic aneurysm and aortic dissection. Last evaluated: 2022-02-14. Review status: criteria provided, single submitter. Criteria: ACMG Guidelines, 2015. Collection method: clinical testing. Allele origin: germline.

Ambry Genetics
Classification: Likely pathogenic for Familial thoracic aortic aneurysm and aortic dissection. Last evaluated: 2017-10-31. Review status: criteria provided, single submitter. Criteria: Ambry Variant Classification Scheme 2023. Collection method: clinical testing. Allele origin: germline.
Comment: The p.A414T variant (also known as c.1240G>A), located in coding exon 4 of the TGFBR2 gene, results from a G to A substitution at nucleotide position 1240. The alanine at codon 414 is replaced by threonine, an amino acid with similar properties, and is located in a protein kinase domain. This alteration has been reported in individuals with Loeys-Dietz syndrome and in a cohort of individuals with isolated thoracic aortic aneurysm and dissections (TAAD) (Frischmeyer-Guerrerio PA et al. Sci Transl Med, 2013 Jul;5:195ra94; Jondeau G et al. Circ Cardiovasc Genet, 2016 Dec;9:548-558). This amino acid position is highly conserved in available vertebrate species. In addition, this alteration is predicted to be deleterious by in silico analysis. Based on the majority of available evidence to date, this variant is likely to be pathogenic.

Literature cited by the submitters: PubMed 23099432 (cited by Labcorp Genetics (formerly Invitae), Labcorp and Ambry Genetics); PubMed 23884466 (cited by Labcorp Genetics (formerly Invitae), Labcorp and Ambry Genetics); PubMed 18852674 (cited by Labcorp Genetics (formerly Invitae), Labcorp); PubMed 27125181 (cited by Labcorp Genetics (formerly Invitae), Labcorp); PubMed 27879313 (cited by Ambry Genetics).

NM_003242.6(TGFBR2):c.1240G>A (p.Ala414Thr)

Gene: TGFBR2 (transforming growth factor beta receptor 2; plus strand). Cytogenetic location: 3p24.1.
Variant type: single nucleotide variant.
Coding change: c.1240G>A on transcript NM_003242.6 (MANE Select); coding-DNA position 1240, G replaced by A.
Protein change: p.Ala414Thr; replaces alanine 414 with threonine.
Molecular consequence: missense variant.
Genome position (GRCh38, 1-based): chr3:30,672,423, G>A. VCF-style: chr3-30672423-G-A. GRCh37 (hg19) VCF-style: chr3-30713915-G-A.
Other names: c.1315G>A, p.Ala439Thr (NM_001024847.3); c.1423G>A, p.Ala475Thr (NM_001407126.1); c.1348G>A, p.Ala450Thr (NM_001407127.1); c.1267G>A, p.Ala423Thr (NM_001407128.1); c.1243G>A, p.Ala415Thr (NM_001407129.1); c.1240G>A, p.Ala414Thr (NM_001407130.1); c.1135G>A, p.Ala379Thr (NM_001407132.1, NM_001407133.1, NM_001407134.1 and 2 more transcripts); c.955G>A, p.Ala319Thr (NM_001407137.1); and 1 more; short protein forms A319T, A415T, A379T, A439T, A294T, A414T, A423T, A450T.
Identifiers: ClinVar variation 1758289 (VCV001758289.7), dbSNP rs2125437095, ClinGen allele CA351808826.